The following is an entry in ClinVar:

ClinVar aggregate classification (germline): Uncertain significance. Review status: criteria provided, multiple submitters, no conflicts (2 of 4 stars). 2 submissions from 2 submitters: Uncertain significance (2). Last evaluated 2025-10-21.

Allele frequency attached by ClinVar (database versions not stated): gnomAD exomes 0.00001; TOPMed 0.00003; gnomAD 0.00008.
gnomAD v4.1: 20 of 1,613,888 alleles (0.0012%); highest among the groups gnomAD compares: African/African-American, 0.004%; no homozygotes.

Submissions (3):

Labcorp Genetics (formerly Invitae), Labcorp
Classification: Uncertain significance. Last evaluated: 2025-10-21. Review status: criteria provided, single submitter. Criteria: Invitae Variant Classification Sherloc (09022015). Collection method: clinical testing. Allele origin: germline.
Comment: This sequence change replaces arginine, which is basic and polar, with glutamine, which is neutral and polar, at codon 65 of the HYOU1 protein (p.Arg65Gln). This variant is present in population databases (rs373116532, gnomAD 0.006%). This variant has not been reported in the literature in individuals affected with HYOU1-related conditions. ClinVar contains an entry for this variant (Variation ID: 1903582). An algorithm developed to predict the effect of missense changes on protein structure and function (PolyPhen-2) suggests that this variant is likely to be tolerated. In summary, the available evidence is currently insufficient to determine the role of this variant in disease. Therefore, it has been classified as a Variant of Uncertain Significance.

Ambry Genetics
Classification: Uncertain significance. Last evaluated: 2024-05-01. Review status: criteria provided, single submitter. Criteria: Ambry Variant Classification Scheme 2023. Collection method: clinical testing. Allele origin: germline.

Dr. Peter K. Rogan Lab, Western University
No classification provided (evidence only). Condition: Colon adenocarcinoma. Review status: no classification provided. Collection method: in vitro. Allele origin: not applicable. Functional consequence: retained intron. Not counted in ClinVar's aggregate classification.

NM_006389.5(HYOU1):c.194G>A (p.Arg65Gln)

Gene: HYOU1 (hypoxia up-regulated 1; minus strand). Cytogenetic location: 11q23.3.
Variant type: single nucleotide variant.
Coding change: c.194G>A on transcript NM_006389.5 (MANE Select); coding-DNA position 194, G replaced by A.
Protein change: p.Arg65Gln; replaces arginine 65 with glutamine.
Molecular consequence: missense variant.
Genome position (GRCh38, 1-based): chr11:119,055,563, C>T on the plus strand (G>A on the coding strand, the complement: HYOU1 is on the minus strand). VCF-style: chr11-119055563-C-T. GRCh37 (hg19) VCF-style: chr11-118926275-C-T.
Other names: c.194G>A (NM_006389.3); c.194G>A, p.Arg65Gln (NM_001130991.3, NM_001411041.1); short protein forms R65Q.
Identifiers: ClinVar variation 1903582 (VCV001903582.7), dbSNP rs373116532, ClinGen allele CA229649244.